The following is an entry in ClinVar:

ClinVar aggregate classification (germline): Uncertain significance (1 of 4 stars; one submission).

Conditions:
Cardiovascular phenotype. Identifiers: MedGen CN230736.

Submission:

Ambry Genetics
Classification: Uncertain significance for Cardiovascular phenotype. Last evaluated: 2025-10-27. Review status: criteria provided, single submitter. Criteria: Ambry Variant Classification Scheme 2023. Collection method: clinical testing. Allele origin: germline.
Comment: The p.S954F variant (also known as c.2861C>T), located in coding exon 16 of the SCN10A gene, results from a C to T substitution at nucleotide position 2861. The serine at codon 954 is replaced by phenylalanine, an amino acid with highly dissimilar properties. This amino acid position is conserved. In addition, this alteration is predicted to be tolerated by in silico analysis. Based on the available evidence, the clinical significance of this variant remains unclear.

NM_006514.4(SCN10A):c.2861C>T (p.Ser954Phe)

Genes: SCN10A (sodium voltage-gated channel alpha subunit 10; minus strand), LOC110121288 (VISTA enhancer hs2268; plus strand). Cytogenetic location: 3p22.2.
Variant type: single nucleotide variant.
Coding change: c.2861C>T on transcript NM_006514.4 (MANE Select); coding-DNA position 2861, C replaced by T.
Protein change: p.Ser954Phe; replaces serine 954 with phenylalanine.
Molecular consequence: missense variant.
Genome position (GRCh38, 1-based): chr3:38,726,832, G>A on the plus strand (C>T on the coding strand, the complement: SCN10A is on the minus strand). VCF-style: chr3-38726832-G-A. GRCh37 (hg19) VCF-style: chr3-38768323-G-A.
Other names: c.2861C>T, p.Ser954Phe (NM_001293306.2); c.2567C>T, p.Ser856Phe (NM_001293307.2); short protein forms S954F, S856F.
Identifiers: ClinVar variation 4614882 (VCV004614882.1).